The following is an entry in ClinVar:

ClinVar aggregate classification (germline): Benign/Likely benign. Review status: criteria provided, multiple submitters, no conflicts (2 of 4 stars). 12 submissions from 12 submitters: Benign (3); Likely benign (7). 2 of the submissions do not count toward it. Last evaluated 2026-09-01.

Conditions:
Dystonia 27 (DYT27). Identifiers: Orphanet 464440, MedGen C4225336, MONDO:0014627, OMIM 616411.
Bethlem myopathy 1A. Also called: Bethlem Muscular Dystrophy; MYOPATHY, BENIGN CONGENITAL, WITH CONTRACTURES; Bethlem myopathy 1. Identifiers: Orphanet 610, MedGen CN029274, MONDO:0024530, OMIM 158810.
Ullrich congenital muscular dystrophy 1A. Also called: Intermediate COL6-RD; Ullrich congenital muscular dystrophy 1. Identifiers: Orphanet 75840, MedGen C0410179, MONDO:0009681, OMIM 254090.
Collagen 6-related myopathy. Identifiers: MedGen CN117976, MONDO:0100225.

Allele frequency attached by ClinVar (database versions not stated): 1000 Genomes Project 30x 0.00187; 1000 Genomes Project 0.00220; gnomAD exomes 0.00238 and 0.00326; ExAC 0.00245; gnomAD 0.00267 and 0.00268; TOPMed 0.00277; ESP Exome Variant Server 0.00346.
gnomAD v4.1: 5,187 of 1,613,240 alleles (0.32%); highest among the groups gnomAD compares: Middle Eastern, 1.1%; 12 homozygotes.

Submissions (12):

CeGaT Center for Human Genetics Tuebingen
Classification: Likely benign. Last evaluated: 2026-09-01. Review status: criteria provided, single submitter. Criteria: CeGaT Center For Human Genetics Tuebingen Variant Classification Criteria Version 2. Collection method: clinical testing. Allele origin: germline. Affected: yes. Observed: 24 variant alleles.
Comment: COL6A3: BP4, BP7

Labcorp Genetics (formerly Invitae), Labcorp
Classification: Benign for Bethlem myopathy 1A. Last evaluated: 2026-02-01. Review status: criteria provided, single submitter. Criteria: Invitae Variant Classification Sherloc (09022015). Collection method: clinical testing. Allele origin: germline.

Blueprint Genetics
Classification: Likely benign. Last evaluated: 2024-11-21. Review status: criteria provided, single submitter. Criteria: ACMG Guidelines, 2015. Collection method: clinical testing. Allele origin: germline.

Mayo Clinic Laboratories, Mayo Clinic
Classification: Likely benign. Last evaluated: 2024-05-01. Review status: criteria provided, single submitter. Criteria: ACMG Guidelines, 2015. Collection method: clinical testing. Allele origin: germline. Observed: 4 variant alleles.
Comment: BP4, BP7

GeneDx
Classification: Likely benign. Last evaluated: 2021-11-02. Review status: criteria provided, single submitter. Criteria: GeneDx Variant Classification Process June 2021. Collection method: clinical testing. Allele origin: germline. Affected: yes.
Comment: This variant is associated with the following publications: (PMID: 15689448)

Fulgent Genetics
Classification: Likely benign for Bethlem myopathy 1A; Ullrich congenital muscular dystrophy 1A; Dystonia 27. Last evaluated: 2021-08-11. Review status: criteria provided, single submitter. Criteria: ACMG Guidelines, 2015. Collection method: clinical testing. Allele origin: unknown.

Illumina Laboratory Services, Illumina
Classification: Benign for Collagen VI-related myopathy. Last evaluated: 2018-01-13. Review status: criteria provided, single submitter. Criteria: ICSL Variant Classification Criteria 13 December 2019. Collection method: clinical testing. Allele origin: germline.
Comment: This variant was observed in the ICSL laboratory as part of a predisposition screen in an ostensibly healthy population. It had not been previously curated by ICSL or reported in the Human Gene Mutation Database (HGMD: prior to June 1st, 2018), and was therefore a candidate for classification through an automated scoring system. Utilizing variant allele frequency, disease prevalence and penetrance estimates, and inheritance mode, an automated score was calculated to assess if this variant is too frequent to cause the disease. Based on the score and internal cut-off values, a variant classified as benign is not then subjected to further curation. The score for this variant resulted in a classification of benign for this disease.

Eurofins Ntd Llc (ga)
Classification: Likely benign. Last evaluated: 2015-07-14. Review status: criteria provided, single submitter. Criteria: EGL Classification Definitions 2015. Collection method: clinical testing. Allele origin: germline. Observed: 3 variant alleles, 3 heterozygotes.

Breakthrough Genomics
Classification: Likely benign. Review status: criteria provided, single submitter. Criteria: ACMG Guidelines, 2015. Collection method: not provided. Allele origin: germline. Inheritance: Autosomal recessive inheritance. Affected: yes.

PreventionGenetics, part of Exact Sciences
Classification: Benign. Review status: criteria provided, single submitter. Criteria: ACMG Guidelines, 2015. Collection method: clinical testing. Allele origin: germline.

Clinical Genetics DNA and cytogenetics Diagnostics Lab, Erasmus MC, Erasmus Medical Center
Classification: Likely benign. Review status: no assertion criteria provided. Collection method: clinical testing. Allele origin: germline. Affected: yes. Study: VKGL Data-share Consensus. Not counted in ClinVar's aggregate classification.

Laboratory of Diagnostic Genome Analysis, Leiden University Medical Center (LUMC)
Classification: Likely benign. Review status: no assertion criteria provided. Collection method: clinical testing. Allele origin: germline. Affected: yes. Study: VKGL Data-share Consensus. Not counted in ClinVar's aggregate classification.

NM_004369.4(COL6A3):c.2463T>C (p.Ser821=)

Gene: COL6A3 (collagen type VI alpha 3 chain; minus strand). Cytogenetic location: 2q37.3.
Variant type: single nucleotide variant.
Coding change: c.2463T>C on transcript NM_004369.4 (MANE Select); coding-DNA position 2463, T replaced by C.
Protein change: p.Ser821=; no amino-acid change (serine 821 retained).
Molecular consequence: synonymous variant. On other transcripts: intron variant (1).
Genome position (GRCh38, 1-based): chr2:237,378,670, A>G on the plus strand (T>C on the coding strand, the complement: COL6A3 is on the minus strand). VCF-style: chr2-237378670-A-G. GRCh37 (hg19) VCF-style: chr2-238287313-A-G.
Other names: p.Ser821=; c.1242T>C, p.Ser414= (NM_057164.5); c.1845T>C, p.Ser615= (NM_057165.5, NM_057167.4); c.677-1326T>C (NM_057166.5).
Identifiers: ClinVar variation 259296 (VCV000259296.68), dbSNP rs115387170, ClinGen allele CA2189409.
Genomic context (GRCh38, chr2:237,378,670, plus strand): 5'-AGTTCCCGGCAACAGGGGAGGTTTACCTGGCTGAGCGAGTGGTACTTCCTCCACACCTCC[A>G]CTAACATATGTGGTTAGGGGCTGAATCAGCTGCTGAGGCAAAGCTGGCAGGGAGCTGAAA-3'
Protein context (NP_004360.2, residues 811-831): QLIQPLTTYV[Ser821=]GGVEEVPLAQ